The following is an entry in ClinVar:

NM_001127198.5(TMC6):c.430+5G>C

Gene: TMC6 (transmembrane channel like 6; minus strand). Cytogenetic location: 17q25.3.
Variant type: single nucleotide variant.
Coding change: c.430+5G>C on transcript NM_001127198.5 (MANE Select); 5 bases into the intron after coding-DNA position 430, G replaced by C.
Molecular consequence: intron variant.
Genome position (GRCh38, 1-based): chr17:78,125,721, C>G on the plus strand (G>C on the coding strand, the complement: TMC6 is on the minus strand). VCF-style: chr17-78125721-C-G. GRCh37 (hg19) VCF-style: chr17-76121802-C-G.
Other names: c.430+5G>C (NM_001374594.1, NM_001374596.1, NM_001374593.1 and 4 more transcripts).
Identifiers: ClinVar variation 968480 (VCV000968480.7), dbSNP rs2074675709, ClinGen allele CA1139665901.

ClinVar aggregate classification (germline): Uncertain significance (1 of 4 stars; one submission).

Conditions:
Epidermodysplasia verruciformis. Identifiers: Orphanet 302, MedGen C0014522, MONDO:0009176.

Allele frequency attached by ClinVar (database versions not stated): gnomAD exomes below 0.00001; TOPMed 0.00001.
gnomAD v4.1: 1 of 1,563,160 alleles (0.000064%); highest among the groups gnomAD compares: Admixed American, 0.0019%; no homozygotes.

Submission:

Labcorp Genetics (formerly Invitae), Labcorp
Classification: Uncertain significance for Epidermodysplasia verruciformis. Last evaluated: 2024-11-05. Review status: criteria provided, single submitter. Criteria: Invitae Variant Classification Sherloc (09022015). Collection method: clinical testing. Allele origin: germline.
Comment: This sequence change falls in intron 5 of the TMC6 gene. It does not directly change the encoded amino acid sequence of the TMC6 protein. It affects a nucleotide within the consensus splice site. This variant is not present in population databases (gnomAD no frequency). This variant has not been reported in the literature in individuals affected with TMC6-related conditions. ClinVar contains an entry for this variant (Variation ID: 968480). Variants that disrupt the consensus splice site are a relatively common cause of aberrant splicing (PMID: 17576681, 9536098). Algorithms developed to predict the effect of sequence changes on RNA splicing suggest that this variant may disrupt the consensus splice site. In summary, the available evidence is currently insufficient to determine the role of this variant in disease. Therefore, it has been classified as a Variant of Uncertain Significance.

Literature cited by the submitters: PubMed 17576681; PubMed 9536098.